The following is an entry in ClinVar:

ClinVar aggregate classification (germline): Pathogenic (1 of 4 stars; one submission).

Conditions:
Landau-Kleffner syndrome (FESD). Also called: EPILEPSY, FOCAL, WITH SPEECH DISORDER AND WITH OR WITHOUT MENTAL RETARDATION; APHASIA, ACQUIRED, WITH EPILEPSY. Identifiers: Orphanet 1945, Orphanet 725, Orphanet 98818, MedGen C0282512, MONDO:0009509, OMIM 245570.

Submission:

Labcorp Genetics (formerly Invitae), Labcorp
Classification: Pathogenic for Landau-Kleffner syndrome. Last evaluated: 2022-06-13. Review status: criteria provided, single submitter. Criteria: Invitae Variant Classification Sherloc (09022015). Collection method: clinical testing. Allele origin: germline.
Comment: This variant is a gross deletion of the genomic region encompassing exon(s) 13-14 of the GRIN2A gene, which includes the termination codon. This deletion extends beyond the assayed region for this gene and therefore may encompass additional genes. While this deletion is not anticipated to lead to nonsense mediated decay, it is expected to alter mRNA translation or result in a truncated protein product. A similar copy number variant has been observed in individual(s) with rolandic epilepsy (PMID: 24372385). This variant is also known as del16p13.2. This variant disrupts a region of the GRIN2A protein in which other variant(s) (p.Trp1271*) have been determined to be pathogenic (PMID: 29961510). This suggests that this is a clinically significant region of the protein, and that variants that disrupt it are likely to be disease-causing. For these reasons, this variant has been classified as Pathogenic.

Literature cited by the submitters: PubMed 24372385; PubMed 29961510.

NC_000016.9:g.(?_9857006)_(9862956_?)del

Gene: GRIN2A (glutamate ionotropic receptor NMDA type subunit 2A; minus strand). Cytogenetic location: 16p13.2.
Variant type: Deletion.
Identifiers: ClinVar variation 1073743 (VCV001073743.10).